The following is an entry in ClinVar:

ClinVar aggregate classification (germline): Pathogenic/Likely pathogenic. Review status: criteria provided, multiple submitters, no conflicts (2 of 4 stars). 3 submissions from 3 submitters: Pathogenic (1); Likely pathogenic (2). Last evaluated 2024-05-07.

Conditions:
Mitochondrial trifunctional protein deficiency. Identifiers: Orphanet 746, MedGen C1969443, MONDO:0012172.
Long chain 3-hydroxyacyl-CoA dehydrogenase deficiency. Also called: Deficiency of long-chain 3-hydroxyacyl-coenzyme A dehydrogenase; LCHAD Deficiency. Identifiers: Orphanet 5, MedGen C3711645, MONDO:0012173, OMIM 609016.
Mitochondrial trifunctional protein deficiency 1 (MTPD1). Identifiers: MedGen CN376812, MONDO:0958181, OMIM 609015.

Submissions (3):

Fulgent Genetics
Classification: Likely pathogenic for Mitochondrial trifunctional protein deficiency 1; Long chain 3-hydroxyacyl-CoA dehydrogenase deficiency. Last evaluated: 2024-05-07. Review status: criteria provided, single submitter. Criteria: ACMG Guidelines, 2015. Collection method: clinical testing. Allele origin: germline.

Women's Health and Genetics/Laboratory Corporation of America, LabCorp
Classification: Likely pathogenic for Long chain 3-hydroxyacyl-CoA dehydrogenase deficiency. Last evaluated: 2023-04-12. Review status: criteria provided, single submitter. Criteria: LabCorp Variant Classification Summary - May 2015. Collection method: clinical testing. Allele origin: germline.
Comment: Variant summary: HADHA c.1759_1760delCT (p.Leu587GlyfsX3) results in a premature termination codon, predicted to cause a truncation of the encoded protein or absence of the protein due to nonsense mediated decay, which are commonly known mechanisms for disease. Truncations downstream of this position have been classified as pathogenic by our laboratory. The variant was absent in 251474 control chromosomes (gnomAD). To our knowledge, no occurrence of c.1759_1760delCT in individuals affected with Long Chain 3-Hydroxyacyl-CoA Dehydrogenase Deficiency and no experimental evidence demonstrating its impact on protein function have been reported. No clinical diagnostic laboratories have submitted clinical-significance assessments for this variant to ClinVar after 2014. Based on the evidence outlined above, the variant was classified as likely pathogenic.

Labcorp Genetics (formerly Invitae), Labcorp
Classification: Pathogenic for Mitochondrial trifunctional protein deficiency; Long chain 3-hydroxyacyl-CoA dehydrogenase deficiency. Last evaluated: 2023-02-04. Review status: criteria provided, single submitter. Criteria: Invitae Variant Classification Sherloc (09022015). Collection method: clinical testing. Allele origin: germline.
Comment: For these reasons, this variant has been classified as Pathogenic. Algorithms developed to predict the effect of sequence changes on RNA splicing suggest that this variant may disrupt the consensus splice site. This variant has not been reported in the literature in individuals affected with HADHA-related conditions. This variant is not present in population databases (gnomAD no frequency). This sequence change creates a premature translational stop signal (p.Leu587Glyfs*3) in the HADHA gene. It is expected to result in an absent or disrupted protein product. Loss-of-function variants in HADHA are known to be pathogenic (PMID: 7738175, 21103935, 21549624, 22459206).

Literature cited by the submitters: PubMed 7738175 (cited by Labcorp Genetics (formerly Invitae), Labcorp); PubMed 21103935 (cited by Labcorp Genetics (formerly Invitae), Labcorp); PubMed 21549624 (cited by Labcorp Genetics (formerly Invitae), Labcorp); PubMed 22459206 (cited by Labcorp Genetics (formerly Invitae), Labcorp).

NM_000182.5(HADHA):c.1759_1760del (p.Leu587fs)

Genes: GAREM2 (GRB2 associated regulator of MAPK1 subtype 2; plus strand), HADHA (hydroxyacyl-CoA dehydrogenase trifunctional multienzyme complex subunit alpha; minus strand). Cytogenetic location: 2p23.3.
Variant type: Deletion.
Coding change: c.1759_1760del on transcript NM_000182.5 (MANE Select); coding-DNA positions 1759 to 1760, 2 bases deleted (CT; older notation c.1759_1760delCT).
Protein change: p.Leu587fs; shifts the reading frame from leucine 587.
Molecular consequence: frameshift variant.
Genome position (GRCh38, 1-based): chr2:26,193,702-26,193,703, AG deleted on the plus strand (CT on the coding strand, the reverse complement: HADHA is on the minus strand). VCF-style (leftmost placement, unchanged base first): chr2-26193701-CAG-C. GRCh37 (hg19) VCF-style: chr2-26416570-CAG-C.
Other names: c.1759_1760delCT (NM_000182.4); short protein forms L587fs.
Identifiers: ClinVar variation 2503898 (VCV002503898.5), dbSNP rs2465513035, ClinGen allele CA2580611602.